The following is an entry in ClinVar:

ClinVar aggregate classification (germline): Uncertain significance (1 of 4 stars; one submission).

Conditions:
ALG12-congenital disorder of glycosylation (CDG1G). Also called: CDG Ig; ALG12-CDG; Congenital disorder of glycosylation, type Ig. Identifiers: Orphanet 79324, MedGen C2931001, MONDO:0011783, OMIM 607143.

Allele frequency attached by ClinVar (database versions not stated): gnomAD exomes below 0.00001.
gnomAD v4.1: 1 of 1,614,196 alleles (0.000062%); highest among the groups gnomAD compares: Non-Finnish European, 0.000085%; no homozygotes.

Submission:

Labcorp Genetics (formerly Invitae), Labcorp
Classification: Uncertain significance for ALG12-congenital disorder of glycosylation. Last evaluated: 2022-06-10. Review status: criteria provided, single submitter. Criteria: Invitae Variant Classification Sherloc (09022015). Collection method: clinical testing. Allele origin: germline.
Comment: This sequence change replaces leucine, which is neutral and non-polar, with proline, which is neutral and non-polar, at codon 332 of the ALG12 protein (p.Leu332Pro). This variant is not present in population databases (gnomAD no frequency). This variant has not been reported in the literature in individuals affected with ALG12-related conditions. Algorithms developed to predict the effect of missense changes on protein structure and function are either unavailable or do not agree on the potential impact of this missense change (SIFT: "Deleterious"; PolyPhen-2: "Probably Damaging"; Align-GVGD: "Class C15"). In summary, the available evidence is currently insufficient to determine the role of this variant in disease. Therefore, it has been classified as a Variant of Uncertain Significance.

NM_024105.4(ALG12):c.995T>C (p.Leu332Pro)

Gene: ALG12 (ALG12 alpha-1,6-mannosyltransferase; minus strand). Cytogenetic location: 22q13.33.
Variant type: single nucleotide variant.
Coding change: c.995T>C on transcript NM_024105.4 (MANE Select); coding-DNA position 995, T replaced by C.
Protein change: p.Leu332Pro; replaces leucine 332 with proline.
Molecular consequence: missense variant.
Genome position (GRCh38, 1-based): chr22:49,904,504, A>G on the plus strand (T>C on the coding strand, the complement: ALG12 is on the minus strand). VCF-style: chr22-49904504-A-G. GRCh37 (hg19) VCF-style: chr22-50298152-A-G.
Other names: short protein forms L332P.
Identifiers: ClinVar variation 2122477 (VCV002122477.1), dbSNP rs2519258444, ClinGen allele CA412072611.